The following is an entry in ClinVar:

NM_000081.4(LYST):c.10397G>T (p.Gly3466Val)

Gene: LYST (lysosomal trafficking regulator; minus strand). Cytogenetic location: 1q42.3.
Variant type: single nucleotide variant.
Coding change: c.10397G>T on transcript NM_000081.4 (MANE Select); coding-DNA position 10397, G replaced by T.
Protein change: p.Gly3466Val; replaces glycine 3466 with valine.
Molecular consequence: missense variant.
Genome position (GRCh38, 1-based): chr1:235,697,250, C>A on the plus strand (G>T on the coding strand, the complement: LYST is on the minus strand). VCF-style: chr1-235697250-C-A. GRCh37 (hg19) VCF-style: chr1-235860550-C-A.
Other names: c.10397G>T, p.Gly3466Val (NM_001301365.1); short protein forms G3466V.
Identifiers: ClinVar variation 1364228 (VCV001364228.7), dbSNP rs2527285657, ClinGen allele CA344929410.

ClinVar aggregate classification (germline): Uncertain significance (1 of 4 stars; one submission).

Conditions:
Chédiak-Higashi syndrome (CHS). Also called: Chediak-Higashi Syndrome. Identifiers: Orphanet 167, MedGen C0007965, MONDO:0008963, OMIM 214500.

Submission:

Labcorp Genetics (formerly Invitae), Labcorp
Classification: Uncertain significance for Chédiak-Higashi syndrome. Last evaluated: 2021-06-27. Review status: criteria provided, single submitter. Criteria: Invitae Variant Classification Sherloc (09022015). Collection method: clinical testing. Allele origin: germline.
Comment: This sequence change replaces glycine with valine at codon 3466 of the LYST protein (p.Gly3466Val). The glycine residue is moderately conserved and there is a moderate physicochemical difference between glycine and valine. This variant is not present in population databases (ExAC no frequency). This variant has not been reported in the literature in individuals with LYST-related conditions. Algorithms developed to predict the effect of missense changes on protein structure and function are either unavailable or do not agree on the potential impact of this missense change (SIFT: "Deleterious"; PolyPhen-2: "Possibly Damaging"; Align-GVGD: "Class C0"). In summary, the available evidence is currently insufficient to determine the role of this variant in disease. Therefore, it has been classified as a Variant of Uncertain Significance.